The following is an entry in ClinVar:

ClinVar aggregate classification (germline): Uncertain significance (1 of 4 stars; one submission).

Allele frequency attached by ClinVar (database versions not stated): gnomAD exomes below 0.00001; ExAC 0.00001.
gnomAD v4.1: 1 of 1,613,870 alleles (0.000062%); highest among the groups gnomAD compares: Non-Finnish European, 0.000085%; no homozygotes.

Submission:

Labcorp Genetics (formerly Invitae), Labcorp
Classification: Uncertain significance. Last evaluated: 2022-03-08. Review status: criteria provided, single submitter. Criteria: Invitae Variant Classification Sherloc (09022015). Collection method: clinical testing. Allele origin: germline.
Comment: In summary, the available evidence is currently insufficient to determine the role of this variant in disease. Therefore, it has been classified as a Variant of Uncertain Significance. Algorithms developed to predict the effect of missense changes on protein structure and function output the following: SIFT: "Tolerated"; PolyPhen-2: "Benign"; Align-GVGD: "Class C0". The aspartic acid amino acid residue is found in multiple mammalian species, which suggests that this missense change does not adversely affect protein function. This variant has not been reported in the literature in individuals affected with CACNA1D-related conditions. This variant is present in population databases (rs770455418, gnomAD 0.0009%). This sequence change replaces glutamic acid, which is acidic and polar, with aspartic acid, which is acidic and polar, at codon 1862 of the CACNA1D protein (p.Glu1862Asp).

NM_001128840.3(CACNA1D):c.5526G>C (p.Glu1842Asp)

Gene: CACNA1D (calcium voltage-gated channel subunit alpha1 D; plus strand). Cytogenetic location: 3p21.1.
Variant type: single nucleotide variant.
Coding change: c.5526G>C on transcript NM_001128840.3 (MANE Select); coding-DNA position 5526, G replaced by C.
Protein change: p.Glu1842Asp; replaces glutamic acid 1842 with aspartic acid.
Molecular consequence: missense variant.
Genome position (GRCh38, 1-based): chr3:53,803,513, G>C. VCF-style: chr3-53803513-G-C. GRCh37 (hg19) VCF-style: chr3-53837540-G-C.
Other names: c.5586G>C, p.Glu1862Asp (NM_000720.4); c.5454G>C, p.Glu1818Asp (NM_001128839.3); short protein forms E1818D, E1842D, E1862D.
Identifiers: ClinVar variation 1347891 (VCV001347891.8), dbSNP rs770455418, ClinGen allele CA2455168.